The following is an entry in ClinVar:

NM_001130965.3(SUN1):c.1205G>A (p.Gly402Asp)

Gene: SUN1 (Sad1 and UNC84 domain containing 1; plus strand). Cytogenetic location: 7p22.3.
Variant type: single nucleotide variant.
Coding change: c.1205G>A on transcript NM_001130965.3 (MANE Select); coding-DNA position 1205, G replaced by A.
Protein change: p.Gly402Asp; replaces glycine 402 with aspartic acid.
Molecular consequence: missense variant. On other transcripts: non-coding transcript variant (3).
Genome position (GRCh38, 1-based): chr7:853,560, G>A. VCF-style: chr7-853560-G-A. GRCh37 (hg19) VCF-style: chr7-893197-G-A.
Other names: c.1067G>A, p.Gly356Asp (NM_001367648.1); c.1250G>A, p.Gly417Asp (NM_001367649.1); c.1619G>A, p.Gly540Asp (NM_001367651.1); c.1205G>A, p.Gly402Asp (NM_001367653.1, NM_001367633.1, NM_001367634.1 and 1 more transcripts); c.896G>A, p.Gly299Asp (NM_001171944.2); c.854G>A, p.Gly285Asp (NM_001367635.1); c.1445G>A, p.Gly482Asp (NM_001367636.1, NM_001367691.1); c.1313G>A, p.Gly438Asp (NM_001367638.1); and 38 more; short protein forms G402D, G285D, G299D, G352D, G356D, G411D, G417D, G429D.
Identifiers: ClinVar variation 530822 (VCV000530822.8), dbSNP rs1554263579, ClinGen allele CA366531418.

ClinVar aggregate classification (germline): Uncertain significance (1 of 4 stars; one submission).

Conditions:
Emery-Dreifuss muscular dystrophy (EDMD). Also called: Scapuloperoneal syndrome, X-linked (formerly); Humeroperoneal neuromuscular disease, (formerly). Identifiers: Orphanet 261, MedGen C0410189, MONDO:0016830.

Allele frequency attached by ClinVar (database versions not stated): gnomAD exomes below 0.00001.
gnomAD v4.1: 1 of 1,611,714 alleles (0.000062%); highest among the groups gnomAD compares: Non-Finnish European, 0.000085%; no homozygotes.

Submission:

Labcorp Genetics (formerly Invitae), Labcorp
Classification: Uncertain significance for Emery-Dreifuss muscular dystrophy. Last evaluated: 2022-07-05. Review status: criteria provided, single submitter. Criteria: Invitae Variant Classification Sherloc (09022015). Collection method: clinical testing. Allele origin: germline.
Comment: This sequence change replaces glycine, which is neutral and non-polar, with aspartic acid, which is acidic and polar, at codon 402 of the SUN1 protein (p.Gly402Asp). In summary, the available evidence is currently insufficient to determine the role of this variant in disease. Therefore, it has been classified as a Variant of Uncertain Significance. Algorithms developed to predict the effect of missense changes on protein structure and function output the following: SIFT: "Tolerated"; PolyPhen-2: "Benign"; Align-GVGD: "Class C0". The aspartic acid amino acid residue is found in multiple mammalian species, which suggests that this missense change does not adversely affect protein function. ClinVar contains an entry for this variant (Variation ID: 530822). This variant has not been reported in the literature in individuals affected with SUN1-related conditions. This variant is not present in population databases (gnomAD no frequency).